The following is an entry in ClinVar:

NM_000548.5(TSC2):c.5103_5104del (p.Lys1701fs)

Gene: TSC2 (TSC complex subunit 2; plus strand). Cytogenetic location: 16p13.3.
Variant type: Deletion.
Coding change: c.5103_5104del on transcript NM_000548.5 (MANE Select); coding-DNA positions 5103 to 5104, 2 bases deleted (GA; older notation c.5103_5104delGA).
Protein change: p.Lys1701fs; shifts the reading frame from lysine 1701.
Molecular consequence: frameshift variant.
Genome position (GRCh38, 1-based): chr16:2,088,082-2,088,083, GA deleted; deleting any 2 consecutive bases within chr16:2,088,081-2,088,083 gives the same sequence; the c. name uses the placement nearest the transcript's 3' end. VCF-style (leftmost placement, unchanged base first): chr16-2088080-AAG-A. GRCh37 (hg19) VCF-style: chr16-2138081-AAG-A.
Other names: c.4902_4903del, p.Lys1634fs (NM_001077183.3); c.5034_5035del, p.Lys1678fs (NM_001114382.3); c.4794_4795del, p.Lys1598fs (NM_001318827.2); c.4758_4759del, p.Lys1586fs (NM_001318829.2); c.4371_4372del, p.Lys1457fs (NM_001318831.2); c.4935_4936del, p.Lys1645fs (NM_001318832.2); c.4905_4906del, p.Lys1635fs (NM_001363528.2); c.4971_4972del, p.Lys1657fs (NM_001370404.1); and 1 more; short protein forms K1457fs, K1586fs, K1598fs, K1634fs, K1635fs, K1645fs, K1657fs, K1658fs.
Identifiers: ClinVar variation 1070242 (VCV001070242.7), dbSNP rs2151620921, ClinGen allele CA2499223353.

ClinVar aggregate classification (germline): Pathogenic (1 of 4 stars; one submission).

Conditions:
Tuberous sclerosis 2 (TSC2). Identifiers: Orphanet 805, MedGen C1860707, MONDO:0013199, OMIM 613254.

Submission:

Labcorp Genetics (formerly Invitae), Labcorp
Classification: Pathogenic for Tuberous sclerosis 2. Last evaluated: 2020-04-14. Review status: criteria provided, single submitter. Criteria: Invitae Variant Classification Sherloc (09022015). Collection method: clinical testing. Allele origin: germline.
Comment: Loss-of-function variants in TSC2 are known to be pathogenic (PMID: 10205261, 17304050). This sequence change creates a premature translational stop signal (p.Lys1701Asnfs*4) in the TSC2 gene. It is expected to result in an absent or disrupted protein product. This variant is not present in population databases (ExAC no frequency). This variant has not been reported in the literature in individuals with TSC2-related conditions. For these reasons, this variant has been classified as Pathogenic.

Literature cited by the submitters: PubMed 10205261; PubMed 17304050.